The following is an entry in ClinVar:

NM_000179.3(MSH6):c.682G>A (p.Glu228Lys)

Gene: MSH6 (mutS homolog 6; plus strand). Cytogenetic location: 2p16.3.
Variant type: single nucleotide variant.
Coding change: c.682G>A on transcript NM_000179.3 (MANE Select); coding-DNA position 682, G replaced by A.
Protein change: p.Glu228Lys; replaces glutamic acid 228 with lysine.
Molecular consequence: missense variant. On other transcripts: 5 prime UTR variant (2).
Genome position (GRCh38, 1-based): chr2:47,798,665, G>A. VCF-style: chr2-47798665-G-A. GRCh37 (hg19) VCF-style: chr2-48025804-G-A.
Other names: p.E228K:GAA>AAA; c.292G>A, p.Glu98Lys (NM_001281492.2); c.-225G>A (NM_001281493.2, NM_001281494.2); short protein forms E228K, E98K.
Identifiers: ClinVar variation 127604 (VCV000127604.32), dbSNP rs587779947, ClinGen allele CA016246.

ClinVar aggregate classification (germline): Conflicting classifications of pathogenicity. Review status: criteria provided, conflicting classifications (1 of 4 stars). 9 submissions from 9 submitters: Uncertain significance (7); Likely benign (1). 1 of the submissions does not count toward it. Last evaluated 2025-11-05.

Conditions:
Endometrial carcinoma. Also called: Endometrial carcinoma, somatic. Identifiers: MedGen C0476089, MONDO:0002447, OMIM 608089, HP:0012114.
Lynch syndrome 5 (LYNCH5). Also called: Colorectal cancer, hereditary nonpolyposis, type 5; Hereditary non-polyposis colorectal cancer, type 5. Identifiers: Orphanet 144, MedGen C1833477, MONDO:0013710, OMIM 614350. Disease mechanism: loss of function.
Mismatch repair cancer syndrome 3. Identifiers: MedGen C5436807, MONDO:0030841, OMIM 619097.
Hereditary nonpolyposis colorectal neoplasms. Identifiers: MedGen C0009405, MeSH D003123.
Hereditary cancer-predisposing syndrome. Also called: Hereditary Cancer Syndrome; Hereditary neoplastic syndrome; Tumor predisposition; Neoplastic Syndromes, Hereditary. Identifiers: Orphanet 140162, MedGen C0027672, MeSH D009386, MONDO:0015356.
Lynch syndrome. Identifiers: Orphanet 144, MedGen C4552100, MONDO:0005835. Disease mechanism: loss of function.

Allele frequency attached by ClinVar (database versions not stated): gnomAD exomes below 0.00001 and 0.00001; ExAC 0.00001; TOPMed 0.00001.

Submissions (9):

Labcorp Genetics (formerly Invitae), Labcorp
Classification: Likely benign for Hereditary nonpolyposis colorectal neoplasms. Last evaluated: 2025-11-05. Review status: criteria provided, single submitter. Criteria: Invitae Variant Classification Sherloc (09022015). Collection method: clinical testing. Allele origin: germline.

Ambry Genetics
Classification: Uncertain significance for Hereditary cancer-predisposing syndrome. Last evaluated: 2025-10-29. Review status: criteria provided, single submitter. Criteria: Ambry Variant Classification Scheme 2023. Collection method: clinical testing. Allele origin: germline.
Comment: The p.E228K variant (also known as c.682G>A), located in coding exon 4 of the MSH6 gene, results from a G to A substitution at nucleotide position 682. The glutamic acid at codon 228 is replaced by lysine, an amino acid with similar properties. This amino acid position is well conserved in available vertebrate species. In addition, the in silico prediction for this alteration is inconclusive. Since supporting evidence is limited at this time, the clinical significance of this alteration remains unclear.

Color Diagnostics, LLC DBA Color Health
Classification: Uncertain significance for Hereditary cancer-predisposing syndrome. Last evaluated: 2025-08-12. Review status: criteria provided, single submitter. Criteria: ACMG Guidelines, 2015. Collection method: clinical testing. Allele origin: germline.
Comment: This missense variant replaces glutamic acid with lysine at codon 228 of the MSH6 protein. Computational prediction suggests that this variant may not impact protein structure and function. To our knowledge, functional studies have not been reported for this variant. This variant has been observed in an individual affected with colorectal cancer (PMID: 29245953) and in an individual affected with unspecified cancer (PMID: 28596308). This variant has been identified in 1/250430 chromosomes in the general population by the Genome Aggregation Database (gnomAD). The available evidence is insufficient to determine the role of this variant in disease conclusively. Therefore, this variant is classified as a Variant of Uncertain Significance.

All of Us Research Program, National Institutes of Health
Classification: Uncertain significance for Lynch syndrome. Last evaluated: 2024-03-05. Review status: criteria provided, single submitter. Criteria: ACMG Guidelines, 2015. Collection method: clinical testing. Allele origin: germline. Inheritance: Autosomal dominant inheritance. Observed: 3 variant alleles, 3 heterozygotes.
Comment: This missense variant replaces glutamic acid with lysine at codon 228 of the MSH6 protein. Computational prediction suggests that this variant may not impact protein structure and function (internally defined REVEL score threshold <= 0.5, PMID: 27666373). To our knowledge, functional studies have not been reported for this variant. This variant has been observed in an individual affected with colorectal cancer (PMID: 29245953) and another individual affected with unspecified cancer that is non-colorectal (PMID: 28596308). This variant has been identified in 1/250430 chromosomes in the general population by the Genome Aggregation Database (gnomAD). The available evidence is insufficient to determine the role of this variant in disease conclusively. Therefore, this variant is classified as a Variant of Uncertain Significance.

This study involves interpretation of variants in research participants for the purpose of population health screening. Participant phenotype was not available at the time of variant classification. Additional details can be found in publication PMID: 35346344, PMCID: PMC8962531

Baylor Genetics
Classification: Uncertain significance for Endometrial carcinoma. Last evaluated: 2024-01-31. Review status: criteria provided, single submitter. Criteria: ACMG Guidelines, 2015. Collection method: clinical testing. Allele origin: unknown.

GeneDx
Classification: Uncertain significance. Last evaluated: 2023-09-13. Review status: criteria provided, single submitter. Criteria: GeneDx Variant Classification Process June 2021. Collection method: clinical testing. Allele origin: germline. Affected: yes.
Comment: Not observed at significant frequency in large population cohorts (gnomAD); In silico analysis supports that this missense variant does not alter protein structure/function; Observed in an individual with a non-colorectal tumor displaying mismatch repair deficiency (Le et al., 2017); This variant is associated with the following publications: (PMID: 21437237, 28596308, 29245953)

Myriad Genetics, Inc.
Classification: Uncertain significance for Lynch syndrome 5. Last evaluated: 2023-03-29. Review status: criteria provided, single submitter. Criteria: Myriad Autosomal Dominant, Autosomal Recessive and X-Linked Classification Criteria (2023). Collection method: clinical testing. Allele origin: unknown.
Comment: This variant is classified as a variant of uncertain significance as there is insufficient evidence to determine its impact on protein function and/or cancer risk.

Department of Pathology and Laboratory Medicine, Sinai Health System
Classification: Uncertain significance for Endometrial carcinoma; Lynch syndrome 5; Mismatch repair cancer syndrome 3. Last evaluated: 2022-08-23. Review status: criteria provided, single submitter. Criteria: ACMG Guidelines, 2015. Collection method: clinical testing. Allele origin: germline. Affected: no.

Counsyl
Classification: Uncertain significance for Lynch syndrome 5. Last evaluated: 2016-05-26. Review status: no assertion criteria provided. Collection method: clinical testing. Allele origin: unknown. Not counted in ClinVar's aggregate classification.

Literature cited by the submitters: PubMed 28596308 (cited by 3 submitters); PubMed 29245953 (cited by 3 submitters).